The following is an entry in ClinVar:

NM_014244.5(ADAMTS2):c.3318A>G (p.Ile1106Met)

Gene: ADAMTS2 (ADAM metallopeptidase with thrombospondin type 1 motif 2; minus strand). Cytogenetic location: 5q35.3.
Variant type: single nucleotide variant.
Coding change: c.3318A>G on transcript NM_014244.5 (MANE Select); coding-DNA position 3318, A replaced by G.
Protein change: p.Ile1106Met; replaces isoleucine 1106 with methionine.
Molecular consequence: missense variant.
Genome position (GRCh38, 1-based): chr5:179,114,185, T>C on the plus strand (A>G on the coding strand, the complement: ADAMTS2 is on the minus strand). VCF-style: chr5-179114185-T-C. GRCh37 (hg19) VCF-style: chr5-178541186-T-C.
Other names: short protein forms I1106M.
Identifiers: ClinVar variation 1007341 (VCV001007341.9), dbSNP rs773167287, ClinGen allele CA3595259.

ClinVar aggregate classification (germline): Uncertain significance. Review status: criteria provided, single submitter (1 of 4 stars). 2 submissions from 2 submitters: Uncertain significance (1). 1 of the submissions does not count toward it. Last evaluated 2022-06-22.

Conditions:
Ehlers-Danlos syndrome, dermatosparaxis type. Also called: EDS VIIC; Dermatosparaxis; Ehlers-Danlos syndrome, type VII, autosomal recessive. Identifiers: Orphanet 1901, MedGen C2700425, MONDO:0009161, OMIM 225410.

Allele frequency attached by ClinVar (database versions not stated): ExAC 0.00001; gnomAD exomes 0.00001.
gnomAD v4.1: 17 of 1,611,822 alleles (0.0011%); highest among the groups gnomAD compares: Non-Finnish European, 0.0014%; no homozygotes.

Submissions (2):

Labcorp Genetics (formerly Invitae), Labcorp
Classification: Uncertain significance for Ehlers-Danlos syndrome, dermatosparaxis type. Last evaluated: 2022-06-22. Review status: criteria provided, single submitter. Criteria: Invitae Variant Classification Sherloc (09022015). Collection method: clinical testing. Allele origin: germline.
Comment: This sequence change replaces isoleucine, which is neutral and non-polar, with methionine, which is neutral and non-polar, at codon 1106 of the ADAMTS2 protein (p.Ile1106Met). This variant is present in population databases (rs773167287, gnomAD 0.003%). This variant has not been reported in the literature in individuals affected with ADAMTS2-related conditions. ClinVar contains an entry for this variant (Variation ID: 1007341). Algorithms developed to predict the effect of missense changes on protein structure and function (SIFT, PolyPhen-2, Align-GVGD) all suggest that this variant is likely to be tolerated. In summary, the available evidence is currently insufficient to determine the role of this variant in disease. Therefore, it has been classified as a Variant of Uncertain Significance.

Natera, Inc.
Classification: Uncertain significance for Ehlers-Danlos syndrome type VIIC. Last evaluated: 2020-03-31. Review status: no assertion criteria provided. Collection method: clinical testing. Allele origin: germline. Not counted in ClinVar's aggregate classification.